The following is an entry in ClinVar:

NM_000053.4(ATP7B):c.356dup (p.Met119fs)

Gene: ATP7B (ATPase copper transporting beta; minus strand). Cytogenetic location: 13q14.3.
Variant type: Duplication.
Coding change: c.356dup on transcript NM_000053.4 (MANE Select); coding-DNA position 356, one base duplicated (T; older notation c.356dupT).
Protein change: p.Met119fs; shifts the reading frame from methionine 119.
Molecular consequence: frameshift variant.
Genome position (GRCh38, 1-based): chr13:51,974,864, A duplicated on the plus strand (T on the coding strand, the reverse complement: ATP7B is on the minus strand). VCF-style (leftmost placement, unchanged base first): chr13-51974863-C-CA. GRCh37 (hg19) VCF-style: chr13-52548999-C-CA.
Other names: c.356dup, p.Met119fs (NM_001005918.3, NM_001243182.2, NM_001330578.2 and 1 more transcripts); short protein forms M119fs.
Identifiers: ClinVar variation 943003 (VCV000943003.9), dbSNP rs1952028475, ClinGen allele CA1139663323.
Genomic context (GRCh38, chr13:51,974,863, plus strand): 5'-AGGCAAGGACCTTGAGGGCCAGGAGGCTGCCTTTCCTTCTGCAATGCTGGCCTCGAAGCC[C>CA]ATGTCCCCAATTTGATGGCAAACCTGTTGCAGGCACACAACCGATGGCACATATTTCACA-3'

ClinVar aggregate classification (germline): Pathogenic. Review status: criteria provided, multiple submitters, no conflicts (2 of 4 stars). 2 submissions from 2 submitters: Pathogenic (2). Last evaluated 2021-08-10.

Conditions:
Wilson disease (WND). Also called: Wilson's disease. Identifiers: Orphanet 905, MedGen C0019202, MONDO:0010200, OMIM 277900. Disease mechanism: loss of function.

Submissions (2):

Genome-Nilou Lab
Classification: Pathogenic for Wilson disease. Last evaluated: 2021-08-10. Review status: criteria provided, single submitter. Criteria: ACMG Guidelines, 2015. Collection method: clinical testing. Allele origin: germline. Affected: no.

Labcorp Genetics (formerly Invitae), Labcorp
Classification: Pathogenic for Wilson disease. Last evaluated: 2019-06-22. Review status: criteria provided, single submitter. Criteria: Invitae Variant Classification Sherloc (09022015). Collection method: clinical testing. Allele origin: germline.
Comment: This sequence change creates a premature translational stop signal (p.Met119Ilefs*44) in the ATP7B gene. It is expected to result in an absent or disrupted protein product. This variant is not present in population databases (ExAC no frequency). This variant has not been reported in the literature in individuals with ATP7B-related conditions. Loss-of-function variants in ATP7B are known to be pathogenic (PMID: 10441329, 16283883). For these reasons, this variant has been classified as Pathogenic.

Literature cited by the submitters: PubMed 10441329 (cited by Labcorp Genetics (formerly Invitae), Labcorp); PubMed 16283883 (cited by Labcorp Genetics (formerly Invitae), Labcorp).